The following is an entry in ClinVar:

ClinVar aggregate classification (germline): Likely pathogenic (1 of 4 stars; one submission).

Allele frequency attached by ClinVar (database versions not stated): gnomAD exomes below 0.00001; TOPMed below 0.00001; ExAC 0.00001; gnomAD 0.00001.
gnomAD v4.1: 3 of 1,613,828 alleles (0.00019%); highest among the groups gnomAD compares: African/African-American, 0.004%; no homozygotes.

Submission:

GeneDx
Classification: Likely pathogenic. Last evaluated: 2020-10-12. Review status: criteria provided, single submitter. Criteria: GeneDx Variant Classification Process June 2021. Collection method: clinical testing. Allele origin: germline. Affected: yes.
Comment: Not observed at a significant frequency in large population cohorts (Lek et al., 2016); In silico analysis, which includes protein predictors and evolutionary conservation, supports a deleterious effect; Has not been previously published as pathogenic or benign to our knowledge

NM_001931.5(DLAT):c.1598G>A (p.Gly533Glu)

Genes: DLAT (dihydrolipoamide S-acetyltransferase; plus strand), PIH1D2 (PIH1 domain containing 2; minus strand). Cytogenetic location: 11q23.1.
Variant type: single nucleotide variant.
Coding change: c.1598G>A on transcript NM_001931.5 (MANE Select); coding-DNA position 1598, G replaced by A.
Protein change: p.Gly533Glu; replaces glycine 533 with glutamic acid.
Molecular consequence: missense variant. On other transcripts: non-coding transcript variant (1).
Genome position (GRCh38, 1-based): chr11:112,059,986, G>A. VCF-style: chr11-112059986-G-A. GRCh37 (hg19) VCF-style: chr11-111930710-G-A.
Other names: c.1565G>A, p.Gly522Glu (NM_001372034.1); c.1490G>A, p.Gly497Glu (NM_001372035.1); c.1472G>A, p.Gly491Glu (NM_001372036.1); c.1430G>A, p.Gly477Glu (NM_001372037.1); c.1319G>A, p.Gly440Glu (NM_001372038.1); c.1283G>A, p.Gly428Glu (NM_001372039.1); c.1217G>A, p.Gly406Glu (NM_001372040.1); c.1175G>A, p.Gly392Glu (NM_001372041.1); and 4 more; short protein forms G379E, G392E, G406E, G428E, G440E, G477E, G491E, G497E.
Identifiers: ClinVar variation 1211510 (VCV001211510.3), dbSNP rs782009811, ClinGen allele CA6276970.